The following is an entry in ClinVar:

ClinVar aggregate classification (germline): Likely benign. Review status: criteria provided, multiple submitters, no conflicts (2 of 4 stars). 3 submissions from 3 submitters: Likely benign (3). Last evaluated 2025-06-18.

Conditions:
Hereditary cancer-predisposing syndrome. Also called: Hereditary Cancer Syndrome; Tumor predisposition; Neoplastic Syndromes, Hereditary; Hereditary neoplastic syndrome. Identifiers: Orphanet 140162, MedGen C0027672, MeSH D009386, MONDO:0015356.
Chuvash polycythemia. Also called: POLYCYTHEMIA, VHL-DEPENDENT. Identifiers: Orphanet 238557, MedGen C1837915, MONDO:0009892, OMIM 263400.
Von Hippel-Lindau syndrome (VHLS). Also called: Von Hippel-Lindau; von Hippel–Lindau syndrome; VHL syndrome. Identifiers: Orphanet 892, MedGen C0019562, MONDO:0008667, OMIM 193300. Disease mechanism: loss of function.

Submissions (3):

Labcorp Genetics (formerly Invitae), Labcorp
Classification: Likely benign for Von Hippel-Lindau syndrome; Chuvash polycythemia. Last evaluated: 2025-06-18. Review status: criteria provided, single submitter. Criteria: Invitae Variant Classification Sherloc (09022015). Collection method: clinical testing. Allele origin: germline.

Ambry Genetics
Classification: Likely benign for Hereditary cancer-predisposing syndrome. Last evaluated: 2021-04-12. Review status: criteria provided, single submitter. Criteria: Ambry Variant Classification Scheme 2023. Collection method: clinical testing. Allele origin: germline.

GeneDx
Classification: Likely benign. Last evaluated: 2017-05-30. Review status: criteria provided, single submitter. Criteria: GeneDx Variant Classification (06012015). Collection method: clinical testing. Allele origin: germline. Affected: yes.
Comment: This variant is considered likely benign or benign based on one or more of the following criteria: it is a conservative change, it occurs at a poorly conserved position in the protein, it is predicted to be benign by multiple in silico algorithms, and/or has population frequency not consistent with disease.

NM_000551.4(VHL):c.213C>G (p.Pro71=)

Gene: VHL (von Hippel-Lindau tumor suppressor; plus strand). Cytogenetic location: 3p25.3.
Variant type: single nucleotide variant.
Coding change: c.213C>G on transcript NM_000551.4 (MANE Select); coding-DNA position 213, C replaced by G.
Protein change: p.Pro71=; no amino-acid change (proline 71 retained).
Molecular consequence: synonymous variant.
Genome position (GRCh38, 1-based): chr3:10,142,060, C>G. VCF-style: chr3-10142060-C-G. GRCh37 (hg19) VCF-style: chr3-10183744-C-G.
Other names: c.213C>G, p.Pro71= (NM_001354723.2, NM_198156.3).
Identifiers: ClinVar variation 506555 (VCV000506555.12), dbSNP rs201663073, ClinGen allele CA432536421.